The following is an entry in ClinVar:

ClinVar aggregate classification (germline): Pathogenic/Likely pathogenic. Review status: criteria provided, multiple submitters, no conflicts (2 of 4 stars). 6 submissions from 6 submitters: Pathogenic (4); Likely pathogenic (2). Last evaluated 2025-03-24.

Conditions:
Hereditary cancer-predisposing syndrome. Also called: Hereditary neoplastic syndrome; Hereditary Cancer Syndrome; Tumor predisposition; Neoplastic Syndromes, Hereditary. Identifiers: Orphanet 140162, MedGen C0027672, MeSH D009386, MONDO:0015356.
Familial cancer of breast. Also called: hereditary breast carcinoma; Hereditary breast cancer; BREAST CANCER, FAMILIAL. Identifiers: Orphanet 227535, MedGen C0346153, MONDO:0016419, OMIM 114480. Disease mechanism: loss of function.

Submissions (6):

Labcorp Genetics (formerly Invitae), Labcorp
Classification: Pathogenic for Familial cancer of breast. Last evaluated: 2025-03-24. Review status: criteria provided, single submitter. Criteria: Invitae Variant Classification Sherloc (09022015). Collection method: clinical testing. Allele origin: germline.
Comment: This sequence change creates a premature translational stop signal (p.Met414*) in the BARD1 gene. It is expected to result in an absent or disrupted protein product. Loss-of-function variants in BARD1 are known to be pathogenic (PMID: 20077502, 21344236). This variant is not present in population databases (gnomAD no frequency). This variant has not been reported in the literature in individuals affected with BARD1-related conditions. ClinVar contains an entry for this variant (Variation ID: 438893). Algorithms developed to predict the effect of sequence changes on RNA splicing suggest that this variant may disrupt the consensus splice site. For these reasons, this variant has been classified as Pathogenic.

Baylor Genetics
Classification: Likely pathogenic for Familial cancer of breast. Last evaluated: 2024-02-28. Review status: criteria provided, single submitter. Criteria: ACMG Guidelines, 2015. Collection method: clinical testing. Allele origin: unknown.

Myriad Genetics, Inc.
Classification: Pathogenic for Familial cancer of breast. Last evaluated: 2023-05-22. Review status: criteria provided, single submitter. Criteria: Myriad Autosomal Dominant, Autosomal Recessive and X-Linked Classification Criteria (2023). Collection method: clinical testing. Allele origin: unknown.
Comment: This variant is considered pathogenic. This variant creates a termination codon and is predicted to result in premature protein truncation.

Ambry Genetics
Classification: Pathogenic for Hereditary cancer-predisposing syndrome. Last evaluated: 2023-03-27. Review status: criteria provided, single submitter. Criteria: Ambry Variant Classification Scheme 2023. Collection method: clinical testing. Allele origin: germline.
Comment: The c.1240delA pathogenic mutation, located in coding exon 4 of the BARD1 gene, results from a deletion of one nucleotide at nucleotide position 1240, causing a translational frameshift with a predicted alternate stop codon (p.M414*). This alteration is expected to result in loss of function by premature protein truncation or nonsense-mediated mRNA decay. This variant is considered to be rare based on population cohorts in the Genome Aggregation Database (gnomAD). As such, this alteration is interpreted as a disease-causing mutation.

Color Diagnostics, LLC DBA Color Health
Classification: Pathogenic for Hereditary cancer-predisposing syndrome. Last evaluated: 2020-01-15. Review status: criteria provided, single submitter. Criteria: ACMG Guidelines, 2015. Collection method: clinical testing. Allele origin: germline.
Comment: This variant deletes 1 nucleotide in exon 4 of the BARD1 gene, creating a frameshift and premature translation stop signal. This variant is expected to result in an absent or non-functional protein product. This variant has not been identified in the general population by the Genome Aggregation Database (gnomAD). Loss of BARD1 function is a known mechanism of disease. Based on the available evidence, this variant is classified as Pathogenic.

Quest Diagnostics Nichols Institute San Juan Capistrano
Classification: Likely pathogenic. Last evaluated: 2017-03-02. Review status: criteria provided, single submitter. Criteria: Quest Diagnostics criteria. Collection method: clinical testing. Allele origin: germline.

Literature cited by the submitters: PubMed 20077502 (cited by Labcorp Genetics (formerly Invitae), Labcorp); PubMed 21344236 (cited by Labcorp Genetics (formerly Invitae), Labcorp).

NM_000465.4(BARD1):c.1240del (p.Ala413_Met414insTer)

Gene: BARD1 (BRCA1 associated RING domain 1; minus strand). Cytogenetic location: 2q35.
Variant type: Deletion.
Coding change: c.1240del on transcript NM_000465.4 (MANE Select); coding-DNA position 1240, one base deleted (A; older notation c.1240delA).
Protein change: p.Ala413_Met414insTer.
Molecular consequence: nonsense. On other transcripts: non-coding transcript variant (2), intron variant (3).
Genome position (GRCh38, 1-based): chr2:214,780,634, T deleted on the plus strand (A on the coding strand, the reverse complement: BARD1 is on the minus strand); the first of 2 consecutive T bases (chr2:214,780,634-214,780,635); deleting either gives the same sequence. VCF-style (leftmost placement, unchanged base first): chr2-214780633-AT-A. GRCh37 (hg19) VCF-style: chr2-215645357-AT-A.
Other names: c.1183del, p.Ala394_Met395insTer (NM_001282543.2); c.159-28079del (NM_001282548.2); c.215+16427del (NM_001282545.2); c.364+11663del (NM_001282549.2); c.1240delA (NM_000465.2).
Identifiers: ClinVar variation 438893 (VCV000438893.20), dbSNP rs1553622145, ClinGen allele CA645509117.